The following is an entry in ClinVar:

ClinVar aggregate classification (germline): Uncertain significance. Review status: criteria provided, multiple submitters, no conflicts (2 of 4 stars). 2 submissions from 2 submitters: Uncertain significance (2). Last evaluated 2023-08-17.

Submissions (2):

Labcorp Genetics (formerly Invitae), Labcorp
Classification: Uncertain significance. Last evaluated: 2023-08-17. Review status: criteria provided, single submitter. Criteria: Invitae Variant Classification Sherloc (09022015). Collection method: clinical testing. Allele origin: germline.
Comment: In summary, the available evidence is currently insufficient to determine the role of this variant in disease. Therefore, it has been classified as a Variant of Uncertain Significance. Advanced modeling of protein sequence and biophysical properties (such as structural, functional, and spatial information, amino acid conservation, physicochemical variation, residue mobility, and thermodynamic stability) performed at Invitae indicates that this missense variant is expected to disrupt ABL1 protein function. ClinVar contains an entry for this variant (Variation ID: 1316639). This variant has not been reported in the literature in individuals affected with ABL1-related conditions. This variant is not present in population databases (gnomAD no frequency). This sequence change replaces aspartic acid, which is acidic and polar, with asparagine, which is neutral and polar, at codon 440 of the ABL1 protein (p.Asp440Asn).

GeneDx
Classification: Uncertain significance. Last evaluated: 2020-02-02. Review status: criteria provided, single submitter. Criteria: GeneDx Variant Classification Process June 2021. Collection method: clinical testing. Allele origin: germline. Affected: yes.
Comment: Not observed in large population cohorts (Lek et al., 2016); In silico analysis supports that this missense variant has a deleterious effect on protein structure/function; Has not been previously published as pathogenic or benign to our knowledge

NM_005157.6(ABL1):c.1261G>A (p.Asp421Asn)

Gene: ABL1 (ABL proto-oncogene 1, non-receptor tyrosine kinase; plus strand). Cytogenetic location: 9q34.12.
Variant type: single nucleotide variant.
Coding change: c.1261G>A on transcript NM_005157.6 (MANE Select); coding-DNA position 1261, G replaced by A.
Protein change: p.Asp421Asn; replaces aspartic acid 421 with asparagine.
Molecular consequence: missense variant.
Genome position (GRCh38, 1-based): chr9:130,875,043, G>A. VCF-style: chr9-130875043-G-A. GRCh37 (hg19) VCF-style: chr9-133750430-G-A.
Other names: c.1318G>A, p.Asp440Asn (NM_007313.3); short protein forms D421N, D440N.
Identifiers: ClinVar variation 1316639 (VCV001316639.7), dbSNP rs2133003800, ClinGen allele CA375250140.
Genomic context (GRCh38, chr9:130,875,043, plus strand): 5'-TTCCCCATCAAATGGACTGCACCCGAGAGCCTGGCCTACAACAAGTTCTCCATCAAGTCC[G>A]ACGTCTGGGGTAAGGGCTGCTGCTGCACTGAAGTGGTCCTTCCTGACTACAGGAGGGTTT-3'
Protein context (NP_005148.2, residues 411-431): LAYNKFSIKS[Asp421Asn]VWAFGVLLWE